The following is an entry in ClinVar:

ClinVar aggregate classification (germline): Uncertain significance (1 of 4 stars; one submission).

Conditions:
Infantile spasms. Also called: Infantile spasm. Identifiers: MedGen C3887898, HP:0012469.

Allele frequency attached by ClinVar (database versions not stated): gnomAD exomes below 0.00001.
gnomAD v4.1: 2 of 1,614,174 alleles (0.00012%); highest among the groups gnomAD compares: Non-Finnish European, 0.000085%; no homozygotes.

Submission:

Labcorp Genetics (formerly Invitae), Labcorp
Classification: Uncertain significance for Infantile spasms. Last evaluated: 2022-08-31. Review status: criteria provided, single submitter. Criteria: Invitae Variant Classification Sherloc (09022015). Collection method: clinical testing. Allele origin: germline.
Comment: This sequence change replaces asparagine, which is neutral and polar, with aspartic acid, which is acidic and polar, at codon 621 of the PIK3AP1 protein (p.Asn621Asp). This variant is not present in population databases (gnomAD no frequency). This variant has not been reported in the literature in individuals affected with PIK3AP1-related conditions. ClinVar contains an entry for this variant (Variation ID: 1390774). Algorithms developed to predict the effect of missense changes on protein structure and function are either unavailable or do not agree on the potential impact of this missense change (SIFT: "Tolerated"; PolyPhen-2: "Possibly Damaging"; Align-GVGD: "Class C0"). In summary, the available evidence is currently insufficient to determine the role of this variant in disease. Therefore, it has been classified as a Variant of Uncertain Significance.

NM_152309.3(PIK3AP1):c.1861A>G (p.Asn621Asp)

Gene: PIK3AP1 (phosphoinositide-3-kinase adaptor protein 1; minus strand). Cytogenetic location: 10q24.1.
Variant type: single nucleotide variant.
Coding change: c.1861A>G on transcript NM_152309.3 (MANE Select); coding-DNA position 1861, A replaced by G.
Protein change: p.Asn621Asp; replaces asparagine 621 with aspartic acid.
Molecular consequence: missense variant.
Genome position (GRCh38, 1-based): chr10:96,620,432, T>C on the plus strand (A>G on the coding strand, the complement: PIK3AP1 is on the minus strand). VCF-style: chr10-96620432-T-C. GRCh37 (hg19) VCF-style: chr10-98380189-T-C.
Other names: short protein forms N621D.
Identifiers: ClinVar variation 1390774 (VCV001390774.6), dbSNP rs2134201180, ClinGen allele CA377755139.